The following is an entry in ClinVar:

ClinVar aggregate classification (germline): Uncertain significance (1 of 4 stars; one submission).

Submission:

GeneDx
Classification: Uncertain significance. Last evaluated: 2024-01-08. Review status: criteria provided, single submitter. Criteria: GeneDx Variant Classification Process June 2021. Collection method: clinical testing. Allele origin: germline. Affected: yes.
Comment: Variants in candidate genes are classified as variants of uncertain significance in accordance with ACMG guidelines (PMID: 25741868); In-frame duplication of 7 amino acids in a non-repeat region; Not observed at significant frequency in large population cohorts (gnomAD); Has not been previously published as pathogenic or benign to our knowledge

NM_001003699.4(RREB1):c.4261_4281dup (p.Phe1427_Lys1428insAlaThrLysLeuMetAspPhe)

Gene: RREB1 (ras responsive element binding protein 1; plus strand). Cytogenetic location: 6p24.3.
Variant type: Duplication.
Coding change: c.4261_4281dup on transcript NM_001003699.4 (MANE Select); coding-DNA positions 4261 to 4281, 21 bases duplicated (GCCACCAAGCTCATGGACTTC).
Protein change: p.Phe1427_Lys1428insAlaThrLysLeuMetAspPhe.
Molecular consequence: intron variant (on NM_001003700.2).
Genome position (GRCh38, 1-based): chr6:7,246,711-7,246,731, GCCACCAAGCTCATGGACTTC duplicated; duplicating any 21 consecutive bases within chr6:7,246,703-7,246,731 gives the same sequence; the c. name uses the placement nearest the transcript's 3' end. VCF-style (leftmost placement, unchanged base first): chr6-7246702-C-CTGGACTTCGCCACCAAGCTCA. GRCh37 (hg19) VCF-style: chr6-7246935-C-CTGGACTTCGCCACCAAGCTCA.
Other names: c.4096_4116dup, p.Phe1372_Lys1373insAlaThrLysLeuMetAspPhe (NM_001003698.4, NM_001168344.2); c.3974-1800_3974-1780dup (NM_001003700.2).
Identifiers: ClinVar variation 4055815 (VCV004055815.1).